The following is an entry in ClinVar:

ClinVar aggregate classification (germline): Likely benign. Review status: criteria provided, multiple submitters, no conflicts (2 of 4 stars). 3 submissions from 3 submitters: Likely benign (3). Last evaluated 2026-01-01.

Conditions:
Pallister-Hall syndrome (PHS). Also called: HYPOTHALAMIC HAMARTOBLASTOMA, HYPOPITUITARISM, IMPERFORATE ANUS, AND POSTAXIAL POLYDACTYLY; GLI3-Related Pallister-Hall Syndrome. Identifiers: Orphanet 672, MedGen C0265220, MONDO:0007804, OMIM 146510.
Greig cephalopolysyndactyly syndrome (GCPS). Also called: POLYSYNDACTYLY WITH PECULIAR SKULL SHAPE; GLI3-Related Greig Cephalopolysyndactyly Syndrome; Greig syndrome. Identifiers: Orphanet 380, MedGen C0265306, MONDO:0008287, OMIM 175700.

Allele frequency attached by ClinVar (database versions not stated): ExAC 0.00001; gnomAD 0.00001 and 0.00002; gnomAD exomes 0.00001 and 0.00002; TOPMed 0.00006.
gnomAD v4.1: 12 of 1,611,268 alleles (0.00074%); highest among the groups gnomAD compares: Middle Eastern, 0.017%; no homozygotes.

Submissions (3):

CeGaT Center for Human Genetics Tuebingen
Classification: Likely benign. Last evaluated: 2026-01-01. Review status: criteria provided, single submitter. Criteria: CeGaT Center For Human Genetics Tuebingen Variant Classification Criteria Version 2. Collection method: clinical testing. Allele origin: germline. Affected: yes. Observed: 1 variant allele.
Comment: GLI3: BP4, BP7

Labcorp Genetics (formerly Invitae), Labcorp
Classification: Likely benign for Pallister-Hall syndrome; Greig cephalopolysyndactyly syndrome. Last evaluated: 2025-01-30. Review status: criteria provided, single submitter. Criteria: Invitae Variant Classification Sherloc (09022015). Collection method: clinical testing. Allele origin: germline.

Blueprint Genetics
Classification: Likely benign. Last evaluated: 2022-03-29. Review status: criteria provided, single submitter. Criteria: ACMG Guidelines, 2015. Collection method: clinical testing. Allele origin: germline.

NM_000168.6(GLI3):c.558C>T (p.Ser186=)

Gene: GLI3 (GLI family zinc finger 3; minus strand). Cytogenetic location: 7p14.1.
Variant type: single nucleotide variant.
Coding change: c.558C>T on transcript NM_000168.6 (MANE Select); coding-DNA position 558, C replaced by T.
Protein change: p.Ser186=; no amino-acid change (serine 186 retained).
Molecular consequence: synonymous variant.
Genome position (GRCh38, 1-based): chr7:42,048,612, G>A on the plus strand (C>T on the coding strand, the complement: GLI3 is on the minus strand). VCF-style: chr7-42048612-G-A. GRCh37 (hg19) VCF-style: chr7-42088211-G-A.
Identifiers: ClinVar variation 779040 (VCV000779040.13), dbSNP rs769275169, ClinGen allele CA4231147.